The following is an entry in ClinVar:

ClinVar aggregate classification (germline): Uncertain significance (1 of 4 stars; one submission).

Conditions:
Familial cancer of breast. Also called: BREAST CANCER, FAMILIAL; Hereditary breast cancer; hereditary breast carcinoma. Identifiers: Orphanet 227535, MedGen C0346153, MONDO:0016419, OMIM 114480. Disease mechanism: loss of function.

Submission:

Labcorp Genetics (formerly Invitae), Labcorp
Classification: Uncertain significance for Familial cancer of breast. Last evaluated: 2024-04-01. Review status: criteria provided, single submitter. Criteria: Invitae Variant Classification Sherloc (09022015). Collection method: clinical testing. Allele origin: germline.
Comment: This sequence change replaces asparagine, which is neutral and polar, with histidine, which is basic and polar, at codon 166 of the CHEK2 protein (p.Asn166His). This variant is not present in population databases (gnomAD no frequency). This variant has not been reported in the literature in individuals affected with CHEK2-related conditions. ClinVar contains an entry for this variant (Variation ID: 935340). An algorithm developed to predict the effect of missense changes on protein structure and function (PolyPhen-2) suggests that this variant is likely to be disruptive. In summary, the available evidence is currently insufficient to determine the role of this variant in disease. Therefore, it has been classified as a Variant of Uncertain Significance.

NM_007194.4(CHEK2):c.496A>C (p.Asn166His)

Gene: CHEK2 (checkpoint kinase 2; minus strand). Cytogenetic location: 22q12.1.
Variant type: single nucleotide variant.
Coding change: c.496A>C on transcript NM_007194.4 (MANE Select); coding-DNA position 496, A replaced by C.
Protein change: p.Asn166His; replaces asparagine 166 with histidine.
Molecular consequence: missense variant. On other transcripts: 5 prime UTR variant (2), intron variant (1).
Genome position (GRCh38, 1-based): chr22:28,725,073, T>G on the plus strand (A>C on the coding strand, the complement: CHEK2 is on the minus strand). VCF-style: chr22-28725073-T-G. GRCh37 (hg19) VCF-style: chr22-29121061-T-G.
Other names: c.625A>C, p.Asn209His (NM_001005735.3, NM_001438294.1); c.-282A>C (NM_001257387.3); c.-168A>C (NM_001437942.1); c.589A>C, p.Asn197His (NM_001438293.1, NM_001438295.1); c.496A>C, p.Asn166His (NM_145862.3); c.445-150A>C (NM_001349956.3); short protein forms N166H, N209H, N197H.
Identifiers: ClinVar variation 935340 (VCV000935340.10), dbSNP rs876659089, ClinGen allele CA411107487.
Genomic context (GRCh38, chr22:28,725,073, plus strand): 5'-TGTTATTCAAAGGACGGCGTTTTCCTTTCCCTACAAGCTCTGTATTTACAAAGGTTCCAT[T>G]GCCACTGTGATCTTCTATGTATGCAATGTAAGAGTTTTTAGGACCCACTTCCTAAAATAG-3'
Protein context (NP_009125.1, residues 156-176): YIAYIEDHSG[Asn166His]GTFVNTELVG